The following is an entry in ClinVar:

NM_001005271.3(CHD3):c.136G>A (p.Asp46Asn)

Genes: NAA38 (N-alpha-acetyltransferase 38, NatC auxiliary subunit; minus strand), CHD3 (chromodomain helicase DNA binding protein 3; plus strand). Cytogenetic location: 17p13.1.
Variant type: single nucleotide variant.
Coding change: c.136G>A on transcript NM_001005271.3; coding-DNA position 136, G replaced by A.
Protein change: p.Asp46Asn; replaces aspartic acid 46 with asparagine.
Molecular consequence: missense variant. On other transcripts: intron variant (1).
Genome position (GRCh38, 1-based): chr17:7,884,942, G>A. VCF-style: chr17-7884942-G-A. GRCh37 (hg19) VCF-style: chr17-7788260-G-A.
Other names: c.136G>A, p.Asp46Asn (NM_001437504.1, NM_001437507.1, NM_001437508.1 and 1 more transcripts); c.-167+223C>T (NM_001330111.2); short protein forms D46N.
Identifiers: ClinVar variation 1313043 (VCV001313043.4), dbSNP rs1236229482, ClinGen allele CA397933589.

ClinVar aggregate classification (germline): Uncertain significance (1 of 4 stars; one submission).

Submission:

GeneDx
Classification: Uncertain significance. Last evaluated: 2020-07-10. Review status: criteria provided, single submitter. Criteria: GeneDx Variant Classification Process June 2021. Collection method: clinical testing. Allele origin: germline. Affected: yes.
Comment: Not observed in large population cohorts (Lek et al., 2016); In silico analysis supports that this missense variant does not alter protein structure/function; Has not been previously published as pathogenic or benign to our knowledge